The following is an entry in ClinVar:

NM_080669.6(SLC46A1):c.475G>A (p.Gly159Ser)

Gene: SLC46A1 (solute carrier family 46 member 1; minus strand). Cytogenetic location: 17q11.2.
Variant type: single nucleotide variant.
Coding change: c.475G>A on transcript NM_080669.6 (MANE Select); coding-DNA position 475, G replaced by A.
Protein change: p.Gly159Ser; replaces glycine 159 with serine.
Molecular consequence: missense variant.
Genome position (GRCh38, 1-based): chr17:28,405,222, C>T on the plus strand (G>A on the coding strand, the complement: SLC46A1 is on the minus strand). VCF-style: chr17-28405222-C-T. GRCh37 (hg19) VCF-style: chr17-26732240-C-T.
Other names: c.475G>A, p.Gly159Ser (NM_001242366.3); short protein forms G159S.
Identifiers: ClinVar variation 2051827 (VCV002051827.4), dbSNP rs2508295209, ClinGen allele CA398351510.

ClinVar aggregate classification (germline): Uncertain significance (1 of 4 stars; one submission).

Submission:

Labcorp Genetics (formerly Invitae), Labcorp
Classification: Uncertain significance. Last evaluated: 2023-08-17. Review status: criteria provided, single submitter. Criteria: Invitae Variant Classification Sherloc (09022015). Collection method: clinical testing. Allele origin: germline.
Comment: ClinVar contains an entry for this variant (Variation ID: 2051827). Advanced modeling of protein sequence and biophysical properties (such as structural, functional, and spatial information, amino acid conservation, physicochemical variation, residue mobility, and thermodynamic stability) performed at Invitae indicates that this missense variant is not expected to disrupt SLC46A1 protein function. In summary, the available evidence is currently insufficient to determine the role of this variant in disease. Therefore, it has been classified as a Variant of Uncertain Significance. This sequence change replaces glycine, which is neutral and non-polar, with serine, which is neutral and polar, at codon 159 of the SLC46A1 protein (p.Gly159Ser). This variant is not present in population databases (gnomAD no frequency). This variant has not been reported in the literature in individuals affected with SLC46A1-related conditions.